The following is an entry in ClinVar:

ClinVar aggregate classification (germline): Likely benign (1 of 4 stars; one submission).

Allele frequency attached by ClinVar (database versions not stated): ExAC 0.00003; gnomAD 0.00008; TOPMed 0.00019; 1000 Genomes Project 0.00040; 1000 Genomes Project 30x 0.00062.
gnomAD v4.1: 48 of 1,607,644 alleles (0.003%); highest among the groups gnomAD compares: Middle Eastern, 0.13%; no homozygotes.

Submission:

CeGaT Center for Human Genetics Tuebingen
Classification: Likely benign. Last evaluated: 2022-11-01. Review status: criteria provided, single submitter. Criteria: CeGaT Center For Human Genetics Tuebingen Variant Classification Criteria Version 2. Collection method: clinical testing. Allele origin: germline. Affected: yes. Observed: 1 variant allele.
Comment: ABCC1: BP4, BP7

NM_004996.4(ABCC1):c.3117C>T (p.Ile1039=)

Gene: ABCC1 (ATP binding cassette subfamily C member 1 (ABCC1 blood group); plus strand). Cytogenetic location: 16p13.11.
Variant type: single nucleotide variant.
Coding change: c.3117C>T on transcript NM_004996.4 (MANE Select); coding-DNA position 3117, C replaced by T.
Protein change: p.Ile1039=; no amino-acid change (isoleucine 1039 retained).
Molecular consequence: synonymous variant.
Genome position (GRCh38, 1-based): chr16:16,114,803, C>T. VCF-style: chr16-16114803-C-T. GRCh37 (hg19) VCF-style: chr16-16208660-C-T.
Other names: c.2940C>T, p.Ile980= (NM_019862.3).
Identifiers: ClinVar variation 2646258 (VCV002646258.24), dbSNP rs201580241, ClinGen allele CA7924553.